The following is an entry in ClinVar:

ClinVar aggregate classification (germline): Pathogenic/Likely pathogenic. Review status: criteria provided, multiple submitters, no conflicts (2 of 4 stars). 3 submissions from 3 submitters: Pathogenic (2); Likely pathogenic (1). Last evaluated 2026-01-02.

Conditions:
Hereditary cancer-predisposing syndrome. Also called: Tumor predisposition; Hereditary Cancer Syndrome; Hereditary neoplastic syndrome; Neoplastic Syndromes, Hereditary. Identifiers: Orphanet 140162, MedGen C0027672, MeSH D009386, MONDO:0015356.
Hereditary diffuse gastric adenocarcinoma (HDGC). Also called: DIFFUSE GASTRIC AND LOBULAR BREAST CANCER SYNDROME. Identifiers: Orphanet 26106, MedGen C1708349, MONDO:0007648, OMIM 137215.

Submissions (3):

Ambry Genetics
Classification: Likely pathogenic for Hereditary cancer-predisposing syndrome. Last evaluated: 2026-01-02. Review status: criteria provided, single submitter. Criteria: Ambry Variant Classification Scheme 2023. Collection method: clinical testing. Allele origin: germline.
Comment: The c.48+1G>C intronic variant results from a G to C substitution one nucleotide after coding exon 1 of the CDH1 gene. This nucleotide position is highly conserved in available vertebrate species. In silico splice site analysis predicts that this alteration will weaken the native splice donor site; however, direct evidence is insufficient at this time (Ambry internal data). Other variant(s) impacting the same donor site (c.48+1G>A) have been identified in individual(s) with features consistent with CDH1-related diffuse gastric and lobular breast cancer (DGLBC) (Pandalai PK et al. Surgery. 2011 Mar;149(3):347-55; Fujita H et al. Am J Surg Pathol. 2012 Nov;36(11):1709-17, Petridis C et al. Br J Cancer. 2014 Feb 18;110(4):1053-7). This variant is considered to be rare based on population cohorts in the Genome Aggregation Database (gnomAD). Alterations that disrupt the canonical splice site are expected to cause aberrant splicing, resulting in an abnormal protein or a transcript that is subject to nonsense-mediated mRNA decay. As such, this alteration is classified as likely pathogenic.

Myriad Genetics, Inc.
Classification: Pathogenic for Hereditary diffuse gastric adenocarcinoma. Last evaluated: 2024-08-27. Review status: criteria provided, single submitter. Criteria: Myriad Autosomal Dominant, Autosomal Recessive and X-Linked Classification Criteria (2023). Collection method: clinical testing. Allele origin: unknown.
Comment: This variant is considered pathogenic. This variant occurs within a consensus splice junction and is predicted to result in abnormal mRNA splicing of either an out-of-frame exon or an in-frame exon necessary for protein stability and/or normal function. This variant has been reported in multiple individuals with clinical features of gene-specific disease [PMID: 20719348, 38873722, 30745422, 29025585].

Labcorp Genetics (formerly Invitae), Labcorp
Classification: Pathogenic for Hereditary diffuse gastric adenocarcinoma. Last evaluated: 2024-01-24. Review status: criteria provided, single submitter. Criteria: Invitae Variant Classification Sherloc (09022015). Collection method: clinical testing. Allele origin: germline.
Comment: This sequence change affects a donor splice site in intron 1 of the CDH1 gene. It is expected to disrupt RNA splicing. Variants that disrupt the donor or acceptor splice site typically lead to a loss of protein function (PMID: 16199547), and loss-of-function variants in CDH1 are known to be pathogenic (PMID: 15235021, 20373070). This variant is not present in population databases (gnomAD no frequency). Disruption of this splice site has been observed in individuals with breast cancer, diffuse gastric cancer, invasive lobular breast cancer, and/or signet cell carcinoma (PMID: 20719348, 24366306, 30745422, 35264596). Algorithms developed to predict the effect of sequence changes on RNA splicing suggest that this variant may disrupt the consensus splice site. For these reasons, this variant has been classified as Pathogenic.

Literature cited by the submitters: PubMed 20719348 (cited by Myriad Genetics, Inc. and Labcorp Genetics (formerly Invitae), Labcorp); PubMed 38873722 (cited by Myriad Genetics, Inc.); PubMed 30745422 (cited by Myriad Genetics, Inc. and Labcorp Genetics (formerly Invitae), Labcorp); PubMed 29025585 (cited by Myriad Genetics, Inc.); PubMed 16199547 (cited by Labcorp Genetics (formerly Invitae), Labcorp); PubMed 15235021 (cited by Labcorp Genetics (formerly Invitae), Labcorp); PubMed 20373070 (cited by Labcorp Genetics (formerly Invitae), Labcorp); PubMed 24366306 (cited by Labcorp Genetics (formerly Invitae), Labcorp); PubMed 35264596 (cited by Labcorp Genetics (formerly Invitae), Labcorp).

NM_004360.5(CDH1):c.48+1G>C

Gene: CDH1 (cadherin 1; plus strand). Cytogenetic location: 16q22.1.
Variant type: single nucleotide variant.
Coding change: c.48+1G>C on transcript NM_004360.5 (MANE Select); the canonical splice donor site of the intron after coding-DNA position 48, G replaced by C.
Molecular consequence: splice donor variant.
Genome position (GRCh38, 1-based): chr16:68,737,464, G>C. VCF-style: chr16-68737464-G-C. GRCh37 (hg19) VCF-style: chr16-68771367-G-C.
Other names: c.-1568+1G>C (NM_001317185.2); c.-1772+1G>C (NM_001317186.2); c.48+1G>C (NM_001317184.2, NM_004360.3).
Identifiers: ClinVar variation 2710949 (VCV002710949.5), dbSNP rs1440280370, ClinGen allele CA396451434.